The following is an entry in ClinVar:

ClinVar aggregate classification (germline): Uncertain significance (1 of 4 stars; one submission).

Conditions:
Fanconi anemia complementation group O. Also called: RAD51C-Related Fanconi Anemia. Identifiers: Orphanet 84, MedGen C3150653, MONDO:0013248, OMIM 613390.

Submission:

Labcorp Genetics (formerly Invitae), Labcorp
Classification: Uncertain significance for Fanconi anemia complementation group O. Last evaluated: 2026-01-01. Review status: criteria provided, single submitter. Criteria: Invitae Variant Classification Sherloc (09022015). Collection method: clinical testing. Allele origin: germline.
Comment: This sequence change replaces threonine, which is neutral and polar, with isoleucine, which is neutral and non-polar, at codon 96 of the RAD51C protein (p.Thr96Ile). This variant is not present in population databases (gnomAD no frequency). This variant has not been reported in the literature in individuals affected with RAD51C-related conditions. ClinVar contains an entry for this variant (Variation ID: 1720912). Invitae Evidence Modeling of protein sequence and biophysical properties (such as structural, functional, and spatial information, amino acid conservation, physicochemical variation, residue mobility, and thermodynamic stability) indicates that this missense variant is not expected to disrupt RAD51C protein function with a negative predictive value of 80%. In summary, the available evidence is currently insufficient to determine the role of this variant in disease. Therefore, it has been classified as a Variant of Uncertain Significance.

NM_058216.3(RAD51C):c.287C>T (p.Thr96Ile)

Gene: RAD51C (RAD51 paralog C; plus strand). Cytogenetic location: 17q22.
Variant type: single nucleotide variant.
Coding change: c.287C>T on transcript NM_058216.3 (MANE Select); coding-DNA position 287, C replaced by T.
Protein change: p.Thr96Ile; replaces threonine 96 with isoleucine.
Molecular consequence: missense variant. On other transcripts: non-coding transcript variant (2).
Genome position (GRCh38, 1-based): chr17:58,695,072, C>T. VCF-style: chr17-58695072-C-T. GRCh37 (hg19) VCF-style: chr17-56772433-C-T.
Other names: c.287C>T, p.Thr96Ile (NM_002876.4, NM_058217.1); short protein forms T96I.
Identifiers: ClinVar variation 1720912 (VCV001720912.5), dbSNP rs750381200, ClinGen allele CA400340869.